The following is an entry in ClinVar:

ClinVar aggregate classification (germline): Pathogenic (1 of 4 stars; one submission).

Conditions:
Hereditary cancer-predisposing syndrome. Also called: Tumor predisposition; Neoplastic Syndromes, Hereditary; Hereditary Cancer Syndrome; Hereditary neoplastic syndrome. Identifiers: Orphanet 140162, MedGen C0027672, MeSH D009386, MONDO:0015356.

gnomAD v4.1: 2 of 1,612,778 alleles (0.00012%); highest among the groups gnomAD compares: Non-Finnish European, 0.00017%; no homozygotes.

Submission:

Labcorp Genetics (formerly Invitae), Labcorp
Classification: Pathogenic for Hereditary cancer-predisposing syndrome. Last evaluated: 2022-08-16. Review status: criteria provided, single submitter. Criteria: Invitae Variant Classification Sherloc (09022015). Collection method: clinical testing. Allele origin: germline.
Comment: ClinVar contains an entry for this variant (Variation ID: 1455193). For these reasons, this variant has been classified as Pathogenic. Algorithms developed to predict the effect of sequence changes on RNA splicing suggest that this variant may disrupt the consensus splice site. This variant has not been reported in the literature in individuals affected with RAD50-related conditions. This variant is not present in population databases (gnomAD no frequency). This sequence change creates a premature translational stop signal (p.Gln201*) in the RAD50 gene. It is expected to result in an absent or disrupted protein product. Loss-of-function variants in RAD50 are known to be pathogenic (PMID: 19409520).

Literature cited by the submitters: PubMed 19409520.

NM_005732.4(RAD50):c.601C>T (p.Gln201Ter)

Gene: RAD50 (RAD50 double strand break repair protein; plus strand). Cytogenetic location: 5q31.1.
Variant type: single nucleotide variant.
Coding change: c.601C>T on transcript NM_005732.4 (MANE Select); coding-DNA position 601, C replaced by T.
Protein change: p.Gln201Ter; replaces glutamine 201 with a stop codon.
Molecular consequence: nonsense.
Genome position (GRCh38, 1-based): chr5:132,579,911, C>T. VCF-style: chr5-132579911-C-T. GRCh37 (hg19) VCF-style: chr5-131915603-C-T.
Other names: short protein forms Q201*.
Identifiers: ClinVar variation 1455193 (VCV001455193.6), dbSNP rs2149837954, ClinGen allele CA360935770.